The following is an entry in ClinVar:

ClinVar aggregate classification (germline): Likely benign (1 of 4 stars; one submission).

Allele frequency attached by ClinVar (database versions not stated): TOPMed below 0.00001.

Submission:

GeneDx
Classification: Likely benign. Last evaluated: 2018-05-21. Review status: criteria provided, single submitter. Criteria: GeneDx Variant Classification (06012015). Collection method: clinical testing. Allele origin: germline. Affected: yes.
Comment: This variant is considered likely benign or benign based on one or more of the following criteria: it is a conservative change, it occurs at a poorly conserved position in the protein, it is predicted to be benign by multiple in silico algorithms, and/or has population frequency not consistent with disease.

NM_001079855.2(GYG2):c.-128-18C>G

Gene: GYG2 (glycogenin 2; plus strand). Cytogenetic location: Xp22.33.
Variant type: single nucleotide variant.
Coding change: c.-128-18C>G on transcript NM_001079855.2 (MANE Select); 18 bases into the intron before 128 bases upstream of the start codon, C replaced by G.
Molecular consequence: intron variant.
Genome position (GRCh38, 1-based): chrX:2,830,043, C>G. VCF-style: chrX-2830043-C-G. GRCh37 (hg19) VCF-style: chrX-2748084-C-G.
Other names: c.-128-18C>G (NM_003918.3, NM_001184703.2, NM_001184702.2); c.-451-18C>G (NM_001184704.2).
Identifiers: ClinVar variation 682527 (VCV000682527.1), dbSNP rs1327589639, ClinGen allele CA915952823.